The following is an entry in ClinVar:

NM_001744.6(CAMK4):c.629C>A (p.Pro210His)

Gene: CAMK4 (calcium/calmodulin dependent protein kinase IV; plus strand). Cytogenetic location: 5q22.1.
Variant type: single nucleotide variant.
Coding change: c.629C>A on transcript NM_001744.6 (MANE Select); coding-DNA position 629, C replaced by A.
Protein change: p.Pro210His; replaces proline 210 with histidine.
Molecular consequence: missense variant.
Genome position (GRCh38, 1-based): chr5:111,473,314, C>A. VCF-style: chr5-111473314-C-A. GRCh37 (hg19) VCF-style: chr5-110809012-C-A.
Other names: c.629C>A, p.Pro210His (NM_001323374.2, NM_001323375.2); c.38C>A, p.Pro13His (NM_001323376.2, NM_001323377.2); short protein forms P13H, P210H.
Identifiers: ClinVar variation 4868139 (VCV004868139.1).
Genomic context (GRCh38, chr5:111,473,314, plus strand): 5'-TTAAAATATAAATATTGACTAAGCTCTAATTTAACACAATTTTCACTTTTTCTGCAGCAC[C>A]TGAAATTCTTAGAGGTTGTGCCTATGGACCTGAGGTGGACATGTGGTCTGTAGGAATAAT-3'
Protein context (NP_001735.1, residues 200-220): TVCGTPGYCA[Pro210His]EILRGCAYGP

ClinVar aggregate classification (germline): Uncertain significance (1 of 4 stars; one submission).

gnomAD v4.1: 4 of 1,608,256 alleles (0.00025%); highest among the groups gnomAD compares: Non-Finnish European, 0.00034%; no homozygotes.

Submission:

Ambry Genetics
Classification: Uncertain significance. Last evaluated: 2026-05-11. Review status: criteria provided, single submitter. Criteria: Ambry Variant Classification Scheme 2023. Collection method: clinical testing. Allele origin: germline.
Comment: The c.629C>A (p.P210H) alteration is located in exon 8 (coding exon 8) of the CAMK4 gene. This alteration results from a C to A substitution at nucleotide position 629, causing the proline (P) at amino acid position 210 to be replaced by a histidine (H). Based on data from gnomAD, the A allele has an overall frequency of <0.001% (1/250852) total alleles studied. The highest observed frequency was 0.001% (1/113506) of European (non-Finnish) alleles. Based on insufficient or conflicting evidence, the clinical significance of this alteration remains unclear.